The following is an entry in ClinVar:

ClinVar aggregate classification (germline): Uncertain significance. Review status: criteria provided, multiple submitters, no conflicts (2 of 4 stars). 2 submissions from 2 submitters: Uncertain significance (2). Last evaluated 2024-06-03.

Conditions:
Inborn genetic diseases. Identifiers: MedGen C0950123, MeSH D030342.
COG5-congenital disorder of glycosylation. Also called: CONGENITAL DISORDER OF GLYCOSYLATION, TYPE IIi; COG5-CDG; CDG IIi. Identifiers: Orphanet 263487, MedGen C3150876, MONDO:0013325, OMIM 613612.

Allele frequency attached by ClinVar (database versions not stated): gnomAD 0.00001; gnomAD exomes 0.00002; TOPMed 0.00002.
gnomAD v4.1: 24 of 1,605,876 alleles (0.0015%); highest among the groups gnomAD compares: Non-Finnish European, 0.002%; no homozygotes.

Submissions (2):

Ambry Genetics
Classification: Uncertain significance for Inborn genetic diseases. Last evaluated: 2024-06-03. Review status: criteria provided, single submitter. Criteria: Ambry Variant Classification Scheme 2023. Collection method: clinical testing. Allele origin: germline.

Labcorp Genetics (formerly Invitae), Labcorp
Classification: Uncertain significance for COG5-congenital disorder of glycosylation. Last evaluated: 2021-08-20. Review status: criteria provided, single submitter. Criteria: Invitae Variant Classification Sherloc (09022015). Collection method: clinical testing. Allele origin: germline.
Comment: This sequence change replaces glutamine with arginine at codon 389 of the COG5 protein (p.Gln389Arg). The glutamine residue is moderately conserved and there is a small physicochemical difference between glutamine and arginine. This variant is not present in population databases (ExAC no frequency). This variant has not been reported in the literature in individuals affected with COG5-related conditions. Algorithms developed to predict the effect of missense changes on protein structure and function (SIFT, PolyPhen-2, Align-GVGD) all suggest that this variant is likely to be tolerated. In summary, the available evidence is currently insufficient to determine the role of this variant in disease. Therefore, it has been classified as a Variant of Uncertain Significance.

NM_006348.5(COG5):c.1073A>G (p.Gln358Arg)

Gene: COG5 (component of oligomeric golgi complex 5; minus strand). Cytogenetic location: 7q22.3.
Variant type: single nucleotide variant.
Coding change: c.1073A>G on transcript NM_006348.5 (MANE Select); coding-DNA position 1073, A replaced by G.
Protein change: p.Gln358Arg; replaces glutamine 358 with arginine.
Molecular consequence: missense variant. On other transcripts: intron variant (1).
Genome position (GRCh38, 1-based): chr7:107,324,475, T>C on the plus strand (A>G on the coding strand, the complement: COG5 is on the minus strand). VCF-style: chr7-107324475-T-C. GRCh37 (hg19) VCF-style: chr7-106964920-T-C.
Other names: c.1166A>G (NM_006348.3); c.1073A>G, p.Gln358Arg (NM_001161520.2, NM_001379511.1, NM_001379512.1 and 3 more transcripts); c.359A>G, p.Gln120Arg (NM_001379516.1); c.539-26129A>G (NM_001379515.1); short protein forms Q358R, Q120R.
Identifiers: ClinVar variation 1365923 (VCV001365923.6), dbSNP rs766011355, ClinGen allele CA164692533.